The following is an entry in ClinVar:

ClinVar aggregate classification (germline): Likely benign (0 of 4 stars; one submission).

Conditions:
OR4P4-related disorder. Also called: OR4P4-related condition.

Allele frequency attached by ClinVar (database versions not stated): gnomAD 0.00059; 1000 Genomes Project 30x 0.00156; 1000 Genomes Project 0.00160; gnomAD exomes 0.00007; ExAC 0.00020; ESP Exome Variant Server 0.00032.
gnomAD v4.1: 180 of 1,491,790 alleles (0.012%); highest among the groups gnomAD compares: African/African-American, 0.19%; 29 homozygotes.

Submission:

PreventionGenetics, part of Exact Sciences
Classification: Likely benign for OR4P4-related condition. Last evaluated: 2023-02-27. Review status: no assertion criteria provided. Collection method: clinical testing. Allele origin: germline.
Comment: This variant is classified as likely benign based on ACMG/AMP sequence variant interpretation guidelines (Richards et al. 2015 PMID: 25741868, with internal and published modifications).

NM_001405919.1(OR4P4):c.352T>C (p.Tyr118His)

Gene: OR4P4 (olfactory receptor family 4 subfamily P member 4; plus strand). Cytogenetic location: 11q11.
Variant type: single nucleotide variant.
Coding change: c.352T>C on transcript NM_001405919.1 (MANE Select); coding-DNA position 352, T replaced by C.
Protein change: p.Tyr118His; replaces tyrosine 118 with histidine.
Molecular consequence: missense variant.
Genome position (GRCh38, 1-based): chr11:55,638,709, T>C. VCF-style: chr11-55638709-T-C. GRCh37 (hg19) VCF-style: chr11-55406185-T-C.
Other names: c.352T>C, p.Tyr118His (NM_001004124.2); short protein forms Y118H.
Identifiers: ClinVar variation 3054240 (VCV003054240.2), dbSNP rs145199320, ClinGen allele CA5991542.